The following is an entry in ClinVar:

NM_020207.7(ERCC6L2):c.1841T>C (p.Ile614Thr)

Gene: ERCC6L2 (ERCC excision repair 6 like 2; plus strand). Cytogenetic location: 9q22.32.
Variant type: single nucleotide variant.
Coding change: c.1841T>C on transcript NM_020207.7 (MANE Select); coding-DNA position 1841, T replaced by C.
Protein change: p.Ile614Thr; replaces isoleucine 614 with threonine.
Molecular consequence: missense variant. On other transcripts: non-coding transcript variant (1).
Genome position (GRCh38, 1-based): chr9:95,941,543, T>C. VCF-style: chr9-95941543-T-C. GRCh37 (hg19) VCF-style: chr9-98703825-T-C.
Other names: c.1841T>C, p.Ile614Thr (NM_001010895.4, NM_001375291.1, NM_001375292.1 and 2 more transcripts); short protein forms I614T.
Identifiers: ClinVar variation 4618776 (VCV004618776.1).
Genomic context (GRCh38, chr9:95,941,543, plus strand): 5'-GTGCCAATGTTGTTGTATTATTTGATCCTACTTGGAATCCAGCCAATGATCTTCAAGCCA[T>C]TGACAGGTATAATACTGACAAAATTTAAAGTGATCTGCAAATACTTTTAATCTAAAAATA-3'
Protein context (NP_064592.3, residues 604-624): TWNPANDLQA[Ile614Thr]DRAYRIGQCR

ClinVar aggregate classification (germline): Uncertain significance (1 of 4 stars; one submission).

Conditions:
Inborn genetic diseases. Identifiers: MedGen C0950123, MeSH D030342.

gnomAD v4.1: 3 of 1,609,324 alleles (0.00019%); highest among the groups gnomAD compares: Non-Finnish European, 0.00026%; no homozygotes.

Submission:

Ambry Genetics
Classification: Uncertain significance for Inborn genetic diseases. Last evaluated: 2025-11-29. Review status: criteria provided, single submitter. Criteria: Ambry Variant Classification Scheme 2023. Collection method: clinical testing. Allele origin: germline.
Comment: The p.I614T variant (also known as c.1841T>C), located in coding exon 12 of the ERCC6L2 gene, results from a T to C substitution at nucleotide position 1841. The isoleucine at codon 614 is replaced by threonine, an amino acid with similar properties. This amino acid position is conserved. In addition, this alteration is predicted to be deleterious by in silico analysis. Based on the available evidence, the clinical significance of this variant remains unclear.